The following is an entry in ClinVar:

ClinVar aggregate classification (germline): Benign (1 of 4 stars; one submission).

Allele frequency attached by ClinVar (database versions not stated): gnomAD exomes 0.07731; gnomAD 0.09746; TOPMed 0.10856; 1000 Genomes Project 30x 0.13866; 1000 Genomes Project 0.13898.

Submission:

Unidad de Genómica Garrahan, Hospital de Pediatría Garrahan
Classification: Benign. Last evaluated: 2024-01-24. Review status: criteria provided, single submitter. Criteria: ACMG Guidelines, 2015. Collection method: clinical testing. Allele origin: germline. Affected: no. Observed: 22 variant alleles.
Comment: This variant is classified as Benign based on local population frequency. This variant was detected in 23% of patients studied by a panel of primary immunodeficiencies. Number of patients: 22. Only high quality variants are reported.

NM_000880.4(IL7):c.148-6865A>T

Gene: IL7 (interleukin 7; minus strand). Cytogenetic location: 8q21.13.
Variant type: single nucleotide variant.
Coding change: c.148-6865A>T on transcript NM_000880.4 (MANE Select); 6865 bases into the intron before coding-DNA position 148, A replaced by T.
Molecular consequence: intron variant.
Genome position (GRCh38, 1-based): chr8:78,746,947, T>A on the plus strand (A>T on the coding strand, the complement: IL7 is on the minus strand). VCF-style: chr8-78746947-T-A. GRCh37 (hg19) VCF-style: chr8-79659182-T-A.
Other names: c.148-6865A>T (NM_001199888.2, NM_001199886.2, NM_001199887.2).
Identifiers: ClinVar variation 2688314 (VCV002688314.2), dbSNP rs16906062, ClinGen allele CA180197925.